The following is an entry in ClinVar:

ClinVar aggregate classification (germline): Likely benign. Review status: criteria provided, multiple submitters, no conflicts (2 of 4 stars). 4 submissions from 4 submitters: Likely benign (3). 1 of the submissions does not count toward it. Last evaluated 2026-01-27.

Conditions:
Deficiency of alpha-mannosidase (MANSA). Also called: Alpha-Mannosidosis; Mannosidosis, alpha-, types I and II; LYSOSOMAL ALPHA-D-MANNOSIDASE DEFICIENCY. Identifiers: Orphanet 61, MedGen C0024748, MONDO:0009561, OMIM 248500.

Allele frequency attached by ClinVar (database versions not stated): ExAC 0.00020; 1000 Genomes Project 0.00060; ESP Exome Variant Server 0.00069; gnomAD 0.00070 and 0.00074; TOPMed 0.00071; 1000 Genomes Project 30x 0.00094; gnomAD exomes 0.00013.
gnomAD v4.1: 188 of 1,614,228 alleles (0.012%); highest among the groups gnomAD compares: African/African-American, 0.23%; no homozygotes.

Submissions (4):

Labcorp Genetics (formerly Invitae), Labcorp
Classification: Likely benign for Deficiency of alpha-mannosidase. Last evaluated: 2026-01-27. Review status: criteria provided, single submitter. Criteria: Invitae Variant Classification Sherloc (09022015). Collection method: clinical testing. Allele origin: germline.

Mayo Clinic Laboratories, Mayo Clinic
Classification: Likely benign. Last evaluated: 2024-12-03. Review status: criteria provided, single submitter. Criteria: ACMG Guidelines, 2015. Collection method: clinical testing. Allele origin: germline. Observed: 1 variant allele.
Comment: BS1, BP4, BP7

Blueprint Genetics
Classification: Likely benign. Last evaluated: 2024-02-20. Review status: criteria provided, single submitter. Criteria: ACMG Guidelines, 2015. Collection method: clinical testing. Allele origin: germline.

Natera, Inc.
Classification: Likely benign for Alpha-mannosidosis. Last evaluated: 2020-09-16. Review status: no assertion criteria provided. Collection method: clinical testing. Allele origin: germline. Not counted in ClinVar's aggregate classification.

NM_000528.4(MAN2B1):c.874C>T (p.Leu292=)

Gene: MAN2B1 (mannosidase alpha class 2B member 1; minus strand). Cytogenetic location: 19p13.13.
Variant type: single nucleotide variant.
Coding change: c.874C>T on transcript NM_000528.4 (MANE Select); coding-DNA position 874, C replaced by T.
Protein change: p.Leu292=; no amino-acid change (leucine 292 retained).
Molecular consequence: synonymous variant.
Genome position (GRCh38, 1-based): chr19:12,663,352, G>A on the plus strand (C>T on the coding strand, the complement: MAN2B1 is on the minus strand). VCF-style: chr19-12663352-G-A. GRCh37 (hg19) VCF-style: chr19-12774166-G-A.
Other names: p.Leu292=; c.874C>T, p.Leu292= (NM_001173498.2).
Identifiers: ClinVar variation 742125 (VCV000742125.14), dbSNP rs141077530, ClinGen allele CA9226688.
Genomic context (GRCh38, chr19:12,663,352, plus strand): 5'-CGAAGGTTCTGGACACCAGGGTTACCTGGGCAGTGGCCACATTTAGGAAGTAATCGACCA[G>A]CTCCTTGGCGTTGTACTCGGGGCTGCGAGGGTCCTCCACCAGCGGCTGATCGACACACAG-3'
Protein context (NP_000519.2, residues 282-302): PRSPEYNAKE[Leu292=]VDYFLNVATA